The following is an entry in ClinVar:

NM_000687.4(AHCY):c.526C>T (p.Pro176Ser)

Gene: AHCY (adenosylhomocysteinase; minus strand). Cytogenetic location: 20q11.22.
Variant type: single nucleotide variant.
Coding change: c.526C>T on transcript NM_000687.4 (MANE Select); coding-DNA position 526, C replaced by T.
Protein change: p.Pro176Ser; replaces proline 176 with serine.
Molecular consequence: missense variant.
Genome position (GRCh38, 1-based): chr20:34,291,451, G>A on the plus strand (C>T on the coding strand, the complement: AHCY is on the minus strand). VCF-style: chr20-34291451-G-A. GRCh37 (hg19) VCF-style: chr20-32879257-G-A.
Other names: c.442C>T, p.Pro148Ser (NM_001161766.2, NM_001322084.2, NM_001322085.2); c.532C>T, p.Pro178Ser (NM_001322086.2); c.526C>T, p.Pro176Ser (NM_001362750.2); short protein forms P148S, P176S, P178S.
Identifiers: ClinVar variation 1717226 (VCV001717226.5), dbSNP rs2515180662, ClinGen allele CA408658601.
Genomic context (GRCh38, chr20:34,291,451, plus strand): 5'-CGGGAGCTGTCACTGCCCCTCGGCTCACCTTGGTGACGGAGTCATTGACATTGATGGCAG[G>A]CACCTTGAGGATCCCATTGGCCATCATCTTGTAGAGGTTGTGGACCCCAGTCGTGGTCTC-3'
Protein context (NP_000678.1, residues 166-186): KMMANGILKV[Pro176Ser]AINVNDSVTK

ClinVar aggregate classification (germline): Uncertain significance (1 of 4 stars; one submission).

Conditions:
Hypermethioninemia with deficiency of S-adenosylhomocysteine hydrolase. Identifiers: Orphanet 88618, MedGen C3151058, MONDO:0013404, OMIM 613752.

Allele frequency attached by ClinVar (database versions not stated): gnomAD exomes below 0.00001.
gnomAD v4.1: 1 of 1,614,112 alleles (0.000062%); highest among the groups gnomAD compares: Non-Finnish European, 0.000085%; no homozygotes.

Submission:

Labcorp Genetics (formerly Invitae), Labcorp
Classification: Uncertain significance for Hypermethioninemia with deficiency of S-adenosylhomocysteine hydrolase. Last evaluated: 2022-08-20. Review status: criteria provided, single submitter. Criteria: Invitae Variant Classification Sherloc (09022015). Collection method: clinical testing. Allele origin: germline.
Comment: This sequence change replaces proline, which is neutral and non-polar, with serine, which is neutral and polar, at codon 176 of the AHCY protein (p.Pro176Ser). This variant is not present in population databases (gnomAD no frequency). This variant has not been reported in the literature in individuals affected with AHCY-related conditions. Algorithms developed to predict the effect of missense changes on protein structure and function are either unavailable or do not agree on the potential impact of this missense change (SIFT: "Not Available"; PolyPhen-2: "Benign"; Align-GVGD: "Not Available"). In summary, the available evidence is currently insufficient to determine the role of this variant in disease. Therefore, it has been classified as a Variant of Uncertain Significance.